The following is an entry in ClinVar:

ClinVar aggregate classification (germline): Uncertain significance. Review status: criteria provided, multiple submitters, no conflicts (2 of 4 stars). 5 submissions from 4 submitters: Uncertain significance (5). Last evaluated 2025-06-06.

Conditions:
Inborn genetic diseases. Identifiers: MedGen C0950123, MeSH D030342.
Nephronophthisis. Also called: Juvenile Nephronophthisis. Identifiers: Orphanet 655, MedGen C0687120, MONDO:0019005, HP:0000090.
Jeune thoracic dystrophy. Also called: Jeune syndrome; Infantile thoracic dystrophy; Thoracic pelvic phalangeal dystrophy; Jeune's syndrome; Chondroectodermal dysplasia-like syndrome; Short-rib thoracic dysplasia. Identifiers: Orphanet 474, MedGen C0265275, MONDO:0018770.
Nephronophthisis 12 (NPHP12). Identifiers: Orphanet 655, MedGen C3151186, MONDO:0013442, OMIM 613820.
Asphyxiating thoracic dystrophy 4 (SRTD4). Also called: SHORT-RIB THORACIC DYSPLASIA 4 WITH OR WITHOUT POLYDACTYLY; SHORT-RIB THORACIC DYSPLASIA 4. Identifiers: Orphanet 474, MedGen C3151185, MONDO:0013441, OMIM 613819.

Allele frequency attached by ClinVar (database versions not stated): gnomAD exomes below 0.00001.
gnomAD v4.1: 2 of 1,612,418 alleles (0.00012%); highest among the groups gnomAD compares: Non-Finnish European, 0.00017%; no homozygotes.

Submissions (5):

Ambry Genetics
Classification: Uncertain significance for Inborn genetic diseases. Last evaluated: 2025-06-06. Review status: criteria provided, single submitter. Criteria: Ambry Variant Classification Scheme 2023. Collection method: clinical testing. Allele origin: germline.

Labcorp Genetics (formerly Invitae), Labcorp
Classification: Uncertain significance for Jeune thoracic dystrophy; Nephronophthisis. Last evaluated: 2022-06-13. Review status: criteria provided, single submitter. Criteria: Invitae Variant Classification Sherloc (09022015). Collection method: clinical testing. Allele origin: germline.
Comment: This sequence change replaces lysine, which is basic and polar, with glutamine, which is neutral and polar, at codon 265 of the TTC21B protein (p.Lys265Gln). This variant is not present in population databases (gnomAD no frequency). This variant has not been reported in the literature in individuals affected with TTC21B-related conditions. ClinVar contains an entry for this variant (Variation ID: 331838). Algorithms developed to predict the effect of missense changes on protein structure and function (SIFT, PolyPhen-2, Align-GVGD) all suggest that this variant is likely to be tolerated. In summary, the available evidence is currently insufficient to determine the role of this variant in disease. Therefore, it has been classified as a Variant of Uncertain Significance.

Illumina Laboratory Services, Illumina
Classification: Uncertain significance for Nephronophthisis 12. Last evaluated: 2018-01-12. Review status: criteria provided, single submitter. Criteria: ICSL Variant Classification Criteria 13 December 2019. Collection method: clinical testing. Allele origin: germline.

Illumina Laboratory Services, Illumina
Classification: Uncertain significance for Asphyxiating thoracic dystrophy 4. Last evaluated: 2018-01-12. Review status: criteria provided, single submitter. Criteria: ICSL Variant Classification Criteria 13 December 2019. Collection method: clinical testing. Allele origin: germline.

Breakthrough Genomics
Classification: Uncertain significance. Review status: criteria provided, single submitter. Criteria: ACMG Guidelines, 2015. Collection method: not provided. Allele origin: germline. Inheritance: Autosomal recessive inheritance. Affected: yes.

NM_024753.5(TTC21B):c.793A>C (p.Lys265Gln)

Gene: TTC21B (tetratricopeptide repeat domain 21B; minus strand). Cytogenetic location: 2q24.3.
Variant type: single nucleotide variant.
Coding change: c.793A>C on transcript NM_024753.5 (MANE Select); coding-DNA position 793, A replaced by C.
Protein change: p.Lys265Gln; replaces lysine 265 with glutamine.
Molecular consequence: missense variant.
Genome position (GRCh38, 1-based): chr2:165,932,975, T>G on the plus strand (A>C on the coding strand, the complement: TTC21B is on the minus strand). VCF-style: chr2-165932975-T-G. GRCh37 (hg19) VCF-style: chr2-166789485-T-G.
Other names: c.793A>C (NM_024753.3); short protein forms K265Q.
Identifiers: ClinVar variation 331838 (VCV000331838.9), dbSNP rs886055027, ClinGen allele CA10612464.